The following is an entry in ClinVar:

NM_001278116.2(L1CAM):c.2302G>A (p.Val768Ile)

Gene: L1CAM (L1 cell adhesion molecule; minus strand). Cytogenetic location: Xq28.
Variant type: single nucleotide variant.
Coding change: c.2302G>A on transcript NM_001278116.2 (MANE Select); coding-DNA position 2302, G replaced by A.
Protein change: p.Val768Ile; replaces valine 768 with isoleucine.
Molecular consequence: missense variant.
Genome position (GRCh38, 1-based): chrX:153,866,778, C>T on the plus strand (G>A on the coding strand, the complement: L1CAM is on the minus strand). VCF-style: chrX-153866778-C-T. GRCh37 (hg19) VCF-style: chrX-153132233-C-T.
Other names: c.2302G>A, p.Val768Ile (NM_000425.5, NM_024003.3); c.2287G>A, p.Val763Ile (NM_001143963.2); short protein forms V768I, V763I.
Identifiers: ClinVar variation 92924 (VCV000092924.40), dbSNP rs36021462, ClinGen allele CA208427.

ClinVar aggregate classification (germline): Conflicting classifications of pathogenicity. Review status: criteria provided, conflicting classifications (1 of 4 stars). 16 submissions from 16 submitters: Uncertain significance (1); Benign (9); Likely benign (3). 3 of the submissions do not count toward it. Last evaluated 2026-01-27.

Conditions:
Hereditary ataxia. Also called: Hereditary Ataxias. Identifiers: Orphanet 183518, MedGen C0004138, MONDO:0100309, MONDO:0000557.
Inborn genetic diseases. Identifiers: MedGen C0950123, MeSH D030342.
Spastic paraplegia. Identifiers: MedGen C0037772, HP:0001258.
Hereditary spastic paraplegia. Also called: Familial spastic paraparesis. Identifiers: Orphanet 685, MedGen C0037773, MONDO:0019064. Disease mechanism: loss of function.

Allele frequency attached by ClinVar (database versions not stated): TOPMed 0.00174; gnomAD 0.00180 and 0.00178; ESP Exome Variant Server 0.00161; gnomAD exomes 0.00214; ExAC 0.00222; 1000 Genomes Project 0.00265; 1000 Genomes Project 30x 0.00333.
gnomAD v4.1: 3,837 of 1,209,763 alleles (0.32%); highest among the groups gnomAD compares: South Asian, 0.59%; 7 homozygotes.

Submissions (16):

Labcorp Genetics (formerly Invitae), Labcorp
Classification: Benign for Spastic paraplegia. Last evaluated: 2026-01-27. Review status: criteria provided, single submitter. Criteria: Invitae Variant Classification Sherloc (09022015). Collection method: clinical testing. Allele origin: germline.

Blueprint Genetics
Classification: Benign. Last evaluated: 2024-11-20. Review status: criteria provided, single submitter. Criteria: ACMG Guidelines, 2015. Collection method: clinical testing. Allele origin: germline.

Women's Health and Genetics/Laboratory Corporation of America, LabCorp
Classification: Benign. Last evaluated: 2022-02-23. Review status: criteria provided, single submitter. Criteria: LabCorp Variant Classification Summary - May 2015. Collection method: clinical testing. Allele origin: germline.
Comment: Variant summary: L1CAM c.2302G>A (p.Val768Ile) results in a conservative amino acid change in the encoded protein sequence. Four of five in-silico tools predict a benign effect of the variant on protein function. The variant allele was found at a frequency of 0.0021 in 204982 control chromosomes, predominantly at a frequency of 0.0063 within the South Asian subpopulation in the gnomAD database. This frequency is not significantly higher than expected for a pathogenic variant in L1CAM causing L1 Syndrome (0.0021 vs 0.0065), allowing no conclusion about variant significance. Although reported in the literature, to our knowledge, no occurrence/penetrant association of c.2302G>A in individuals affected with L1 Syndrome and no supporting experimental evidence demonstrating its impact on protein function have been reported. Six clinical diagnostic laboratories have submitted clinical-significance assessments for this variant to ClinVar after 2014 without evidence for independent evaluation. All laboratories classified the variant as benign/likely benign. Based on the evidence outlined above, the variant was classified as benign.

Athena Diagnostics
Classification: Benign. Last evaluated: 2020-11-19. Review status: criteria provided, single submitter. Criteria: Athena Diagnostics criteria. Collection method: clinical testing. Allele origin: unknown.

Mayo Clinic Laboratories, Mayo Clinic
Classification: Benign. Last evaluated: 2020-02-17. Review status: criteria provided, single submitter. Criteria: ACMG Guidelines, 2015. Collection method: clinical testing. Allele origin: germline. Observed: 5 variant alleles.

Cambridge Genomics Laboratory, East Genomic Laboratory Hub, NHS Genomic Medicine Service
Classification: Benign for Hereditary ataxia. Last evaluated: 2019-10-16. Review status: criteria provided, single submitter. Criteria: ACGS Best Practice Guidelines for Variant Classification in Rare Disease 2020. Collection method: clinical testing. Allele origin: germline. Affected: yes. Observed: 1 variant allele.

Genome Diagnostics Laboratory, The Hospital for Sick Children
Classification: Likely benign for Hereditary spastic paraplegia. Last evaluated: 2017-07-18. Review status: criteria provided, single submitter. Criteria: ACMG Guidelines, 2015. Collection method: clinical testing. Allele origin: germline. Affected: yes.

Ambry Genetics
Classification: Benign for Inborn genetic diseases. Last evaluated: 2017-01-09. Review status: criteria provided, single submitter. Criteria: Ambry Variant Classification Scheme 2023. Collection method: clinical testing. Allele origin: germline.

Center for Pediatric Genomic Medicine, Children's Mercy Hospital and Clinics
Classification: Benign. Last evaluated: 2016-09-14. Review status: criteria provided, single submitter. Criteria: ACMG Guidelines, 2015. Collection method: clinical testing. Allele origin: germline.

Genetic Services Laboratory, University of Chicago
Classification: Likely benign. Last evaluated: 2015-11-24. Review status: criteria provided, single submitter. Criteria: ACMG Guidelines, 2015. Collection method: clinical testing. Allele origin: germline. Affected: no.

GeneDx
Classification: Benign. Last evaluated: 2015-03-03. Review status: criteria provided, single submitter. Criteria: GeneDx Variant Classification Process June 2021. Collection method: clinical testing. Allele origin: germline. Affected: yes.
Comment: This variant is associated with the following publications: (PMID: 30487145, 22222883, 9268105)

Eurofins Ntd Llc (ga)
Classification: Uncertain significance. Last evaluated: 2014-09-08. Review status: criteria provided, single submitter. Criteria: EGL Classification Definitions 2015. Collection method: clinical testing. Allele origin: germline. Observed: 3 variant alleles, 2 heterozygotes, 2 hemizygotes.

PreventionGenetics, part of Exact Sciences
Classification: Likely benign. Review status: criteria provided, single submitter. Criteria: ACMG Guidelines, 2015. Collection method: clinical testing. Allele origin: germline.

Clinical Genetics DNA and cytogenetics Diagnostics Lab, Erasmus MC, Erasmus Medical Center
Classification: Likely benign. Review status: no assertion criteria provided. Collection method: clinical testing. Allele origin: germline. Affected: yes. Study: VKGL Data-share Consensus. Not counted in ClinVar's aggregate classification.

Diagnostic Laboratory, Department of Genetics, University Medical Center Groningen
Classification: Likely benign. Review status: no assertion criteria provided. Collection method: clinical testing. Allele origin: germline. Affected: yes. Study: VKGL Data-share Consensus. Not counted in ClinVar's aggregate classification.

Laboratory of Diagnostic Genome Analysis, Leiden University Medical Center (LUMC)
Classification: Likely benign. Review status: no assertion criteria provided. Collection method: clinical testing. Allele origin: germline. Affected: yes. Study: VKGL Data-share Consensus. Not counted in ClinVar's aggregate classification.

Literature cited by the submitters: PubMed 22222883 (cited by Athena Diagnostics); PubMed 9268105 (cited by Athena Diagnostics); PubMed 10797421 (cited by Athena Diagnostics); PubMed 11772994 (cited by Athena Diagnostics); PubMed 16760466 (cited by Athena Diagnostics); PubMed 30487145 (cited by Athena Diagnostics).